The following is an entry in ClinVar:

NM_022124.6(CDH23):c.7901_7902del (p.Glu2634fs)

Genes: CDH23 (cadherin related 23; plus strand), LOC111982869 (Sharpr-MPRA regulatory region 2121; plus strand). Cytogenetic location: 10q22.1.
Variant type: Deletion.
Coding change: c.7901_7902del on transcript NM_022124.6 (MANE Select); coding-DNA positions 7901 to 7902, 2 bases deleted (AG; older notation c.7901_7902delAG).
Protein change: p.Glu2634fs; shifts the reading frame from glutamic acid 2634.
Molecular consequence: frameshift variant.
Genome position (GRCh38, 1-based): chr10:71,805,834-71,805,835, AG deleted; deleting any 2 consecutive bases within chr10:71,805,833-71,805,835 gives the same sequence; the c. name uses the placement nearest the transcript's 3' end. VCF-style (leftmost placement, unchanged base first): chr10-71805832-CGA-C. GRCh37 (hg19) VCF-style: chr10-73565589-CGA-C.
Other names: c.1181_1182del, p.Glu394fs (NM_001171933.1, NM_001171934.1); short protein forms E2634fs, E394fs.
Identifiers: ClinVar variation 1453857 (VCV001453857.6), dbSNP rs2132983525, ClinGen allele CA2573145269.

ClinVar aggregate classification (germline): Pathogenic (1 of 4 stars; one submission).

Submission:

Labcorp Genetics (formerly Invitae), Labcorp
Classification: Pathogenic. Last evaluated: 2021-02-09. Review status: criteria provided, single submitter. Criteria: Invitae Variant Classification Sherloc (09022015). Collection method: clinical testing. Allele origin: germline.
Comment: This sequence change creates a premature translational stop signal (p.Glu2634Glyfs*8) in the CDH23 gene. It is expected to result in an absent or disrupted protein product. Loss-of-function variants in CDH23 are known to be pathogenic (PMID: 11138009, 21940737). This variant is not present in population databases (ExAC no frequency). For these reasons, this variant has been classified as Pathogenic. This variant has not been reported in the literature in individuals with CDH23-related conditions.

Literature cited by the submitters: PubMed 11138009; PubMed 21940737.